The following is an entry in ClinVar:

NM_001039348.3(EFEMP1):c.467G>A (p.Arg156His)

Gene: EFEMP1 (EGF-like fibulin extracellular matrix protein 1; minus strand). Cytogenetic location: 2p16.1.
Variant type: single nucleotide variant.
Coding change: c.467G>A on transcript NM_001039348.3 (MANE Select); coding-DNA position 467, G replaced by A.
Protein change: p.Arg156His; replaces arginine 156 with histidine.
Molecular consequence: missense variant.
Genome position (GRCh38, 1-based): chr2:55,917,715, C>T on the plus strand (G>A on the coding strand, the complement: EFEMP1 is on the minus strand). VCF-style: chr2-55917715-C-T. GRCh37 (hg19) VCF-style: chr2-56144850-C-T.
Other names: c.467G>A, p.Arg156His (NM_001039349.3); short protein forms R156H.
Identifiers: ClinVar variation 963087 (VCV000963087.8), dbSNP rs370831953, ClinGen allele CA1668939.

ClinVar aggregate classification (germline): Uncertain significance. Review status: criteria provided, multiple submitters, no conflicts (2 of 4 stars). 2 submissions from 2 submitters: Uncertain significance (2). Last evaluated 2025-05-22.

Conditions:
EFEMP1-related disorder. Also called: EFEMP1-related condition.

Allele frequency attached by ClinVar (database versions not stated): gnomAD 0.00002; TOPMed 0.00002; gnomAD exomes 0.00005 and 0.00006; ExAC 0.00006; ESP Exome Variant Server 0.00008.
gnomAD v4.1: 69 of 1,614,052 alleles (0.0043%); highest among the groups gnomAD compares: Admixed American, 0.012%; no homozygotes.

Submissions (2):

PreventionGenetics, part of Exact Sciences
Classification: Uncertain significance for EFEMP1-related condition. Last evaluated: 2025-05-22. Review status: criteria provided, single submitter. Criteria: ACMG Guidelines, 2015. Collection method: clinical testing. Allele origin: germline.
Comment: The EFEMP1 c.467G>A variant is predicted to result in the amino acid substitution p.Arg156His. To our knowledge, this variant has not been reported in the literature. This variant is present in 0.020% of alleles in individuals of Latino descent in gnomAD. At this time, the clinical significance of this variant is uncertain due to the absence of conclusive functional and genetic evidence.

Labcorp Genetics (formerly Invitae), Labcorp
Classification: Uncertain significance. Last evaluated: 2024-12-23. Review status: criteria provided, single submitter. Criteria: Invitae Variant Classification Sherloc (09022015). Collection method: clinical testing. Allele origin: germline.
Comment: This sequence change replaces arginine, which is basic and polar, with histidine, which is basic and polar, at codon 156 of the EFEMP1 protein (p.Arg156His). This variant is present in population databases (rs370831953, gnomAD 0.02%). This variant has not been reported in the literature in individuals affected with EFEMP1-related conditions. ClinVar contains an entry for this variant (Variation ID: 963087). Invitae Evidence Modeling of protein sequence and biophysical properties (such as structural, functional, and spatial information, amino acid conservation, physicochemical variation, residue mobility, and thermodynamic stability) indicates that this missense variant is not expected to disrupt EFEMP1 protein function with a negative predictive value of 80%. In summary, the available evidence is currently insufficient to determine the role of this variant in disease. Therefore, it has been classified as a Variant of Uncertain Significance.